The following is an entry in ClinVar:

ClinVar aggregate classification (germline): Uncertain significance. Review status: criteria provided, multiple submitters, no conflicts (2 of 4 stars). 2 submissions from 2 submitters: Uncertain significance (2). Last evaluated 2025-12-15.

Conditions:
Hypertrophic cardiomyopathy. Also called: HYPERTROPHIC MYOCARDIOPATHY. Identifiers: Orphanet 217569, MedGen C0007194, MeSH D002312, MONDO:0005045, HP:0001639.

Allele frequency attached by ClinVar (database versions not stated): gnomAD exomes below 0.00001.
gnomAD v4.1: 1 of 1,613,950 alleles (0.000062%); highest among the groups gnomAD compares: East Asian, 0.0022%; no homozygotes.

Submissions (2):

Labcorp Genetics (formerly Invitae), Labcorp
Classification: Uncertain significance for Hypertrophic cardiomyopathy. Last evaluated: 2025-12-15. Review status: criteria provided, single submitter. Criteria: Invitae Variant Classification Sherloc (09022015). Collection method: clinical testing. Allele origin: germline.
Comment: This sequence change replaces valine, which is neutral and non-polar, with glycine, which is neutral and non-polar, at codon 1819 of the MYH7 protein (p.Val1819Gly). This variant is not present in population databases (gnomAD no frequency). This variant has not been reported in the literature in individuals affected with MYH7-related conditions. ClinVar contains an entry for this variant (Variation ID: 2503313). Invitae Evidence Modeling of protein sequence and biophysical properties (such as structural, functional, and spatial information, amino acid conservation, physicochemical variation, residue mobility, and thermodynamic stability) indicates that this missense variant is expected to disrupt MYH7 protein function with a positive predictive value of 95%. In summary, the available evidence is currently insufficient to determine the role of this variant in disease. Therefore, it has been classified as a Variant of Uncertain Significance.

GeneDx
Classification: Uncertain significance. Last evaluated: 2022-11-23. Review status: criteria provided, single submitter. Criteria: GeneDx Variant Classification Process June 2021. Collection method: clinical testing. Allele origin: germline. Affected: yes.
Comment: Not observed at significant frequency in large population cohorts (gnomAD); In silico analysis supports that this missense variant has a deleterious effect on protein structure/function; Has not been previously published as pathogenic or benign to our knowledge

NM_000257.4(MYH7):c.5456T>G (p.Val1819Gly)

Gene: MYH7 (myosin heavy chain 7; minus strand). Cytogenetic location: 14q11.2.
Variant type: single nucleotide variant.
Coding change: c.5456T>G on transcript NM_000257.4 (MANE Select); coding-DNA position 5456, T replaced by G.
Protein change: p.Val1819Gly; replaces valine 1819 with glycine.
Molecular consequence: missense variant.
Genome position (GRCh38, 1-based): chr14:23,415,098, A>C on the plus strand (T>G on the coding strand, the complement: MYH7 is on the minus strand). VCF-style: chr14-23415098-A-C. GRCh37 (hg19) VCF-style: chr14-23884307-A-C.
Other names: c.5456T>G, p.Val1819Gly (NM_001407004.1); short protein forms V1819G.
Identifiers: ClinVar variation 2503313 (VCV002503313.2), dbSNP rs1892131883, ClinGen allele CA389035316.